The following is an entry in ClinVar:

NM_001211.6(BUB1B):c.1371A>C (p.Gln457His)

Gene: BUB1B (BUB1 mitotic checkpoint serine/threonine kinase B; plus strand). Cytogenetic location: 15q15.1.
Variant type: single nucleotide variant.
Coding change: c.1371A>C on transcript NM_001211.6 (MANE Select); coding-DNA position 1371, A replaced by C.
Protein change: p.Gln457His; replaces glutamine 457 with histidine.
Molecular consequence: missense variant.
Genome position (GRCh38, 1-based): chr15:40,199,697, A>C. VCF-style: chr15-40199697-A-C. GRCh37 (hg19) VCF-style: chr15-40491898-A-C.
Other names: short protein forms Q457H.
Identifiers: ClinVar variation 3826126 (VCV003826126.1).
Genomic context (GRCh38, chr15:40,199,697, plus strand): 5'-GAAGAGAGCAGAAATGCAGAAACAGATTGAAGAGATGGAGAAGAAGCTAAAAGAAATCCA[A>C]ACTACTCAGCAAGAAAGAACAGGTGATCAGGTAATTTTTCTTTTTTCATACACAAAACTA-3'
Protein context (NP_001202.5, residues 447-467): EEMEKKLKEI[Gln457His]TTQQERTGDQ

ClinVar aggregate classification (germline): Uncertain significance (1 of 4 stars; one submission).

Conditions:
Inborn genetic diseases. Identifiers: MedGen C0950123, MeSH D030342.

gnomAD v4.1: 1 of 1,613,790 alleles (0.000062%); highest among the groups gnomAD compares: Non-Finnish European, 0.000085%; no homozygotes.

Submission:

Ambry Genetics
Classification: Uncertain significance for Inborn genetic diseases. Last evaluated: 2025-02-23. Review status: criteria provided, single submitter. Criteria: Ambry Variant Classification Scheme 2023. Collection method: clinical testing. Allele origin: germline.
Comment: The p.Q457H variant (also known as c.1371A>C), located in coding exon 10 of the BUB1B gene, results from an A to C substitution at nucleotide position 1371. The glutamine at codon 457 is replaced by histidine, an amino acid with highly similar properties. This amino acid position is conserved. In addition, this alteration is predicted to be tolerated by in silico analysis. Based on the available evidence, the clinical significance of this variant remains unclear.